The following is an entry in ClinVar:

NM_173630.4(RTTN):c.5938A>G (p.Asn1980Asp)

Gene: RTTN (rotatin; minus strand). Cytogenetic location: 18q22.2.
Variant type: single nucleotide variant.
Coding change: c.5938A>G on transcript NM_173630.4 (MANE Select); coding-DNA position 5938, A replaced by G.
Protein change: p.Asn1980Asp; replaces asparagine 1980 with aspartic acid.
Molecular consequence: missense variant.
Genome position (GRCh38, 1-based): chr18:70,024,734, T>C on the plus strand (A>G on the coding strand, the complement: RTTN is on the minus strand). VCF-style: chr18-70024734-T-C. GRCh37 (hg19) VCF-style: chr18-67691970-T-C.
Other names: c.3202A>G, p.Asn1068Asp (NM_001318520.2); short protein forms N1068D, N1980D.
Identifiers: ClinVar variation 1924805 (VCV001924805.5), dbSNP rs1426524958, ClinGen allele CA402684994.
Genomic context (GRCh38, chr18:70,024,734, plus strand): 5'-AACTAGTATTTTGGTATATTATTGAAAGGCAGTATTGGATCCTATTACCATTTGGAAAAT[T>C]TGCAGTATAGACACAAAGGAGCTGCAGAGAAATTTGCATCAATGAATCATCCATCAAAAT-3'
Protein context (NP_775901.3, residues 1970-1990): SLQLLCVYTA[Asn1980Asp]FPNGCSSLCW

ClinVar aggregate classification (germline): Uncertain significance (1 of 4 stars; one submission).

gnomAD v4.1: 16 of 1,613,482 alleles (0.00099%); highest among the groups gnomAD compares: Non-Finnish European, 0.0014%; no homozygotes.

Submission:

Labcorp Genetics (formerly Invitae), Labcorp
Classification: Uncertain significance. Last evaluated: 2023-11-27. Review status: criteria provided, single submitter. Criteria: Invitae Variant Classification Sherloc (09022015). Collection method: clinical testing. Allele origin: germline.
Comment: This sequence change replaces asparagine, which is neutral and polar, with aspartic acid, which is acidic and polar, at codon 1980 of the RTTN protein (p.Asn1980Asp). This variant is not present in population databases (gnomAD no frequency). This variant has not been reported in the literature in individuals affected with RTTN-related conditions. ClinVar contains an entry for this variant (Variation ID: 1924805). Advanced modeling of protein sequence and biophysical properties (such as structural, functional, and spatial information, amino acid conservation, physicochemical variation, residue mobility, and thermodynamic stability) performed at Invitae indicates that this missense variant is not expected to disrupt RTTN protein function with a negative predictive value of 80%. In summary, the available evidence is currently insufficient to determine the role of this variant in disease. Therefore, it has been classified as a Variant of Uncertain Significance.